The following is an entry in ClinVar:

ClinVar aggregate classification (germline): Likely benign (1 of 4 stars; one submission).

Allele frequency attached by ClinVar (database versions not stated): gnomAD exomes 0.00043; 1000 Genomes Project 30x 0.00094; ExAC 0.00096.

Submission:

CeGaT Center for Human Genetics Tuebingen
Classification: Likely benign. Last evaluated: 2023-10-01. Review status: criteria provided, single submitter. Criteria: CeGaT Center For Human Genetics Tuebingen Variant Classification Criteria Version 2. Collection method: clinical testing. Allele origin: germline. Affected: yes. Observed: 2 variant alleles.
Comment: GOLGA8K: BP4, BP7, BS2

NM_001282493.2(GOLGA8K):c.408G>A (p.Gln136=)

Gene: GOLGA8K (golgin A8 family member K). Cytogenetic location: 15q13.3.
Variant type: single nucleotide variant.
Coding change: c.408G>A on transcript NM_001282493.2 (MANE Select); coding-DNA position 408, G replaced by A.
Protein change: p.Gln136=; no amino-acid change (glutamine 136 retained).
Molecular consequence: synonymous variant.
Genome position (GRCh38, 1-based): chr15:32,398,838, C>T on the plus strand (G>A on the coding strand, the complement: GOLGA8K is on the minus strand). VCF-style: chr15-32398838-C-T. GRCh37 (hg19) VCF-style: chr15-32691039-C-T.
Identifiers: ClinVar variation 2645123 (VCV002645123.24), dbSNP rs371595527, ClinGen allele CA7454723.